The following is an entry in ClinVar:

NM_133369.3(UNC5A):c.2317C>T (p.Arg773Trp)

Gene: UNC5A (unc-5 netrin receptor A; plus strand). Cytogenetic location: 5q35.2.
Variant type: single nucleotide variant.
Coding change: c.2317C>T on transcript NM_133369.3 (MANE Select); coding-DNA position 2317, C replaced by T.
Protein change: p.Arg773Trp; replaces arginine 773 with tryptophan.
Molecular consequence: missense variant.
Genome position (GRCh38, 1-based): chr5:176,879,442, C>T. VCF-style: chr5-176879442-C-T. GRCh37 (hg19) VCF-style: chr5-176306443-C-T.
Other names: short protein forms R773W.
Identifiers: ClinVar variation 3042976 (VCV003042976.2), dbSNP rs148900887, ClinGen allele CA3573688.

ClinVar aggregate classification (germline): Likely benign (0 of 4 stars; one submission).

Conditions:
UNC5A-related disorder. Also called: UNC5A-related condition.

Allele frequency attached by ClinVar (database versions not stated): 1000 Genomes Project 30x 0.00078; 1000 Genomes Project 0.00080; ESP Exome Variant Server 0.00115.
gnomAD v4.1: 2,270 of 1,611,268 alleles (0.14%); highest among the groups gnomAD compares: Non-Finnish European, 0.18%; 2 homozygotes.

Submission:

PreventionGenetics, part of Exact Sciences
Classification: Likely benign for UNC5A-related condition. Last evaluated: 2022-04-20. Review status: no assertion criteria provided. Collection method: clinical testing. Allele origin: germline.
Comment: This variant is classified as likely benign based on ACMG/AMP sequence variant interpretation guidelines (Richards et al. 2015 PMID: 25741868, with internal and published modifications).